The following is an entry in ClinVar:

ClinVar aggregate classification (germline): Uncertain significance (1 of 4 stars; one submission).

Conditions:
Hereditary cancer-predisposing syndrome. Also called: Neoplastic Syndromes, Hereditary; Tumor predisposition; Hereditary Cancer Syndrome; Hereditary neoplastic syndrome. Identifiers: Orphanet 140162, MedGen C0027672, MeSH D009386, MONDO:0015356.

Submission:

Color Diagnostics, LLC DBA Color Health
Classification: Uncertain significance for Hereditary cancer-predisposing syndrome. Last evaluated: 2024-01-28. Review status: criteria provided, single submitter. Criteria: ACMG Guidelines, 2015. Collection method: clinical testing. Allele origin: germline.
Comment: This missense variant replaces lysine with asparagine at codon 3416 of the BRCA2 protein. Computational prediction suggests that this variant may not impact protein structure and function (internally defined REVEL score threshold <= 0.5, PMID: 27666373). To our knowledge, functional studies have not been reported for this variant. This variant has not been reported in individuals affected with BRCA2-related disorders in the literature. This variant has not been identified in the general population by the Genome Aggregation Database (gnomAD). The available evidence is insufficient to determine the role of this variant in disease conclusively. Therefore, this variant is classified as a Variant of Uncertain Significance.

NM_000059.4(BRCA2):c.10248A>C (p.Lys3416Asn)

Gene: BRCA2 (BRCA2 DNA repair associated; plus strand). Cytogenetic location: 13q13.1.
Variant type: single nucleotide variant.
Coding change: c.10248A>C on transcript NM_000059.4 (MANE Select); coding-DNA position 10248, A replaced by C.
Protein change: p.Lys3416Asn; replaces lysine 3416 with asparagine.
Molecular consequence: missense variant. On other transcripts: non-coding transcript variant (1).
Genome position (GRCh38, 1-based): chr13:32,398,761, A>C. VCF-style: chr13-32398761-A-C. GRCh37 (hg19) VCF-style: chr13-32972898-A-C.
Other names: c.10152A>C, p.Lys3384Asn (NM_001406719.1); c.10197A>C, p.Lys3399Asn (NM_001406720.1); c.5316A>C, p.Lys1772Asn (NM_001406721.1); c.3831A>C, p.Lys1277Asn (NM_001406722.1); c.10248A>C, p.Lys3416Asn (NM_001432077.1); short protein forms K1277N, K1772N, K3384N, K3399N, K3416N.
Identifiers: ClinVar variation 3894502 (VCV003894502.1).